The following is an entry in ClinVar:

NM_018706.7(DHTKD1):c.523-8T>G

Gene: DHTKD1 (dehydrogenase E1 and transketolase domain containing 1; plus strand). Cytogenetic location: 10p14.
Variant type: single nucleotide variant.
Coding change: c.523-8T>G on transcript NM_018706.7 (MANE Select); 8 bases into the intron before coding-DNA position 523, T replaced by G.
Molecular consequence: intron variant.
Genome position (GRCh38, 1-based): chr10:12,087,527, T>G. VCF-style: chr10-12087527-T-G. GRCh37 (hg19) VCF-style: chr10-12129526-T-G.
Identifiers: ClinVar variation 1921014 (VCV001921014.5), dbSNP rs746534817, ClinGen allele CA5407573.

ClinVar aggregate classification (germline): Uncertain significance (1 of 4 stars; one submission).

Conditions:
2-aminoadipic 2-oxoadipic aciduria (AAKAD). Also called: ALPHA-AMINOADIPIC AND ALPHA-KETOADIPIC ACIDURIA; Aminoadipic aciduria. Identifiers: Orphanet 79154, MedGen C1859817, MONDO:0008774, OMIM 204750.

Allele frequency attached by ClinVar (database versions not stated): gnomAD exomes 0.00001; ExAC 0.00002; TOPMed 0.00002.
gnomAD v4.1: 20 of 1,583,882 alleles (0.0013%); highest among the groups gnomAD compares: Non-Finnish European, 0.0016%; no homozygotes.

Submission:

Labcorp Genetics (formerly Invitae), Labcorp
Classification: Uncertain significance for 2-aminoadipic 2-oxoadipic aciduria. Last evaluated: 2022-11-26. Review status: criteria provided, single submitter. Criteria: Invitae Variant Classification Sherloc (09022015). Collection method: clinical testing. Allele origin: germline.
Comment: This variant is present in population databases (rs746534817, gnomAD 0.007%). This sequence change falls in intron 3 of the DHTKD1 gene. It does not directly change the encoded amino acid sequence of the DHTKD1 protein. This variant has not been reported in the literature in individuals affected with DHTKD1-related conditions. Algorithms developed to predict the effect of sequence changes on RNA splicing suggest that this variant may create or strengthen a splice site. In summary, the available evidence is currently insufficient to determine the role of this variant in disease. Therefore, it has been classified as a Variant of Uncertain Significance.